The following is an entry in ClinVar:

ClinVar aggregate classification (germline): Uncertain significance (1 of 4 stars; one submission).

Conditions:
Sialuria. Also called: SIALURIA, FRENCH TYPE; Sialic Acid Storage Disease. Identifiers: Orphanet 3166, MedGen C0342853, MONDO:0010028, OMIM 269921.
GNE myopathy (NM). Also called: NONAKA DISTAL MYOPATHY; INCLUSION BODY MYOPATHY, HEREDITARY, AUTOSOMAL RECESSIVE; INCLUSION BODY MYOPATHY 2, AUTOSOMAL RECESSIVE; MYOPATHY, DISTAL, WITH OR WITHOUT RIMMED VACUOLES; IBM 2; Inclusion body myopathy autosomal recessive. Identifiers: Orphanet 602, MedGen C1853926, MONDO:0011603, OMIM 605820.

Submission:

Labcorp Genetics (formerly Invitae), Labcorp
Classification: Uncertain significance for Sialuria; GNE myopathy. Last evaluated: 2022-11-23. Review status: criteria provided, single submitter. Criteria: Invitae Variant Classification Sherloc (09022015). Collection method: clinical testing. Allele origin: germline.
Comment: In summary, the available evidence is currently insufficient to determine the role of this variant in disease. Therefore, it has been classified as a Variant of Uncertain Significance. Algorithms developed to predict the effect of missense changes on protein structure and function (SIFT, PolyPhen-2, Align-GVGD) all suggest that this variant is likely to be disruptive. This variant has not been reported in the literature in individuals affected with GNE-related conditions. This variant is not present in population databases (gnomAD no frequency). This sequence change replaces threonine, which is neutral and polar, with isoleucine, which is neutral and non-polar, at codon 520 of the GNE protein (p.Thr520Ile).

NM_005476.7(GNE):c.1466C>T (p.Thr489Ile)

Gene: GNE (glucosamine (UDP-N-acetyl)-2-epimerase/N-acetylmannosamine kinase; minus strand). Cytogenetic location: 9p13.3.
Variant type: single nucleotide variant.
Coding change: c.1466C>T on transcript NM_005476.7 (MANE Select); coding-DNA position 1466, C replaced by T.
Protein change: p.Thr489Ile; replaces threonine 489 with isoleucine.
Molecular consequence: missense variant. On other transcripts: intron variant (1).
Genome position (GRCh38, 1-based): chr9:36,222,944, G>A on the plus strand (C>T on the coding strand, the complement: GNE is on the minus strand). VCF-style: chr9-36222944-G-A. GRCh37 (hg19) VCF-style: chr9-36222941-G-A.
Other names: c.1559C>T, p.Thr520Ile (NM_001128227.3); c.1136C>T, p.Thr379Ile (NM_001190384.3); c.1289C>T, p.Thr430Ile (NM_001190388.2, NM_001374798.1); c.1313C>T, p.Thr438Ile (NM_001374797.1); c.1411+429C>T (NM_001190383.3); short protein forms T379I, T430I, T438I, T489I, T520I.
Identifiers: ClinVar variation 2941761 (VCV002941761.3), dbSNP rs2489625756, ClinGen allele CA373426760.